The following is an entry in ClinVar:

ClinVar aggregate classification (germline): Uncertain significance (1 of 4 stars; one submission).

Conditions:
Hypertrophic cardiomyopathy. Also called: HYPERTROPHIC MYOCARDIOPATHY. Identifiers: Orphanet 217569, MedGen C0007194, MeSH D002312, MONDO:0005045, HP:0001639.

Submission:

Labcorp Genetics (formerly Invitae), Labcorp
Classification: Uncertain significance for Hypertrophic cardiomyopathy. Last evaluated: 2025-10-02. Review status: criteria provided, single submitter. Criteria: Invitae Variant Classification Sherloc (09022015). Collection method: clinical testing. Allele origin: germline.
Comment: This sequence change replaces leucine, which is neutral and non-polar, with histidine, which is basic and polar, at codon 1315 of the MYH7 protein (p.Leu1315His). This variant is not present in population databases (gnomAD no frequency). This variant has not been reported in the literature in individuals affected with MYH7-related conditions. ClinVar contains an entry for this variant (Variation ID: 849221). Invitae Evidence Modeling of protein sequence and biophysical properties (such as structural, functional, and spatial information, amino acid conservation, physicochemical variation, residue mobility, and thermodynamic stability) indicates that this missense variant is expected to disrupt MYH7 protein function with a positive predictive value of 95%. In summary, the available evidence is currently insufficient to determine the role of this variant in disease. Therefore, it has been classified as a Variant of Uncertain Significance.

NM_000257.4(MYH7):c.3944T>A (p.Leu1315His)

Gene: MYH7 (myosin heavy chain 7; minus strand). Cytogenetic location: 14q11.2.
Variant type: single nucleotide variant.
Coding change: c.3944T>A on transcript NM_000257.4 (MANE Select); coding-DNA position 3944, T replaced by A.
Protein change: p.Leu1315His; replaces leucine 1315 with histidine.
Molecular consequence: missense variant.
Genome position (GRCh38, 1-based): chr14:23,419,205, A>T on the plus strand (T>A on the coding strand, the complement: MYH7 is on the minus strand). VCF-style: chr14-23419205-A-T. GRCh37 (hg19) VCF-style: chr14-23888414-A-T.
Other names: short protein forms L1315H.
Identifiers: ClinVar variation 849221 (VCV000849221.9), dbSNP rs1892359761, ClinGen allele CA389041512.